The following is an entry in ClinVar:

ClinVar aggregate classification (germline): Pathogenic. Review status: criteria provided, multiple submitters, no conflicts (2 of 4 stars). 9 submissions from 9 submitters: Pathogenic (8). 1 of the submissions does not count toward it. Last evaluated 2025-03-07.

Conditions:
Inborn genetic diseases. Identifiers: MedGen C0950123, MeSH D030342.
FGFR2-related craniosynostosis. Identifiers: MedGen CN231480.
Crouzon syndrome. Also called: CRANIOFACIAL DYSOSTOSIS, TYPE I; Craniofacial dysostosis; Craniofacial dysostosis type 1; Crouzon craniofacial dysostosis; Crouzon disease. Identifiers: Orphanet 207, MedGen C0010273, MeSH D003394, MONDO:0007405, OMIM 123500, HP:0004439.

Submissions (9):

Labcorp Genetics (formerly Invitae), Labcorp
Classification: Pathogenic for FGFR2-related craniosynostosis. Last evaluated: 2025-03-07. Review status: criteria provided, single submitter. Criteria: Invitae Variant Classification Sherloc (09022015). Collection method: clinical testing. Allele origin: germline.
Comment: This sequence change replaces serine, which is neutral and polar, with cysteine, which is neutral and slightly polar, at codon 354 of the FGFR2 protein (p.Ser354Cys). This variant is not present in population databases (gnomAD no frequency). This missense change has been observed in individual(s) with Crouzon syndrome (PMID: 7655462, 7989400, 8528214, 11173845, 11781872, 17693524, 24127277, 25271085, 27028366). In at least one individual the variant was observed to be de novo. This variant is also known as c.1073C>G (p.Ser354Cys). ClinVar contains an entry for this variant (Variation ID: 13265). Invitae Evidence Modeling of protein sequence and biophysical properties (such as structural, functional, and spatial information, amino acid conservation, physicochemical variation, residue mobility, and thermodynamic stability) indicates that this missense variant is expected to disrupt FGFR2 protein function with a positive predictive value of 80%. Experimental studies have shown that this missense change affects FGFR2 function (PMID: 8755573). Algorithms developed to predict the effect of sequence changes on RNA splicing suggest that this variant may disrupt the consensus splice site. This variant disrupts the p.Ser354Phe, p.Ser354Tyr amino acid residue in FGFR2. Other variant(s) that disrupt this residue have been observed in individuals with FGFR2-related conditions (PMID: 11173845, 12884424, 16418739), which suggests that this may be a clinically significant amino acid residue. For these reasons, this variant has been classified as Pathogenic.

GeneDx
Classification: Pathogenic. Last evaluated: 2024-12-17. Review status: criteria provided, single submitter. Criteria: GeneDx Variant Classification Process June 2021. Collection method: clinical testing. Allele origin: germline. Affected: yes.
Comment: Published functional studies demonstrate the variant increases transactivation as compared to the wildtype (PMID: 8755573, 23913723); Not observed at significant frequency in large population cohorts (gnomAD); In silico analysis supports that this missense variant has a deleterious effect on protein structure/function; This variant is associated with the following publications: (PMID: 11173845, 16844695, 27028366, 11781872, 11711827, 32178948, 23754559, 7987400, 25271085, 17693524, 8528214, 24127277, 16418739, 23913723, 7581378, 24509851, 29230096, 8556306, 16360853, 7655462, 31446701, 32956303, 36478645, 35591945, 35455591, 35275860, 8755573)

Revvity Omics, Revvity
Classification: Pathogenic. Last evaluated: 2022-06-08. Review status: criteria provided, single submitter. Criteria: ACMG Guidelines, 2015. Collection method: clinical testing. Allele origin: germline.

Laboratory of Medical Genetics, National & Kapodistrian University of Athens
Classification: Pathogenic for Crouzon syndrome. Last evaluated: 2022-06-03. Review status: criteria provided, single submitter. Criteria: ACMG Guidelines, 2015. Collection method: clinical testing. Allele origin: germline. Affected: yes.
Comment: PM1, PM2, PM5, PP3, PP5

Centre of Medical Genetics, University Hospital Muenster
Classification: Pathogenic. Last evaluated: 2021-12-08. Review status: criteria provided, single submitter. Criteria: ACMG Guidelines, 2015. Collection method: clinical testing. Allele origin: unknown. Affected: yes. Observed: 1 variant allele, 1 heterozygote.
Comment: ACMG categories: PM1,PM2,PM5,PP2,PP5

Ambry Genetics
Classification: Pathogenic for Hereditary disease. Last evaluated: 2017-08-24. Review status: criteria provided, single submitter. Criteria: ambry_reporting_categories_2017. Collection method: clinical testing. Allele origin: germline. Affected: yes. Observed: 1 heterozygote. Segregation with disease observed.
Comment: Lines of evidence used in support of classification: POSITIVE: Relevant Alteration(s) Detected

Genomic Diagnostic Laboratory, Division of Genomic Diagnostics, Children's Hospital of Philadelphia
Classification: Pathogenic for Crouzon syndrome. Last evaluated: 2016-09-17. Review status: criteria provided, single submitter. Criteria: DGD Variant Analysis Guidelines. Collection method: clinical testing. Allele origin: germline. Affected: yes. Observed: 4 variant alleles.
Comment: Clinical Testing

Juno Genomics, Hangzhou Juno Genomics, Inc
Classification: Pathogenic for Crouzon syndrome. Review status: criteria provided, single submitter. Criteria: ACMG Guidelines, 2015. Collection method: clinical testing. Allele origin: germline. Affected: yes.
Comment: Absent from controls (or at extremely low frequency if recessive) in Genome Aggregation Database, Exome Sequencing Project, 1000 Genomes Project, or Exome Aggregation Consortium.;Missense variant in a gene that has a low rate of benign missense variation and where missense variants are a common mechanism of disease.;De novo (both maternity and paternity confirmed) in a patient with the disease and no family history.;The prevalence of the variant in affected individuals is significantly increased compared to the prevalence in controls.;Patient's phenotype or family history is highly specific for a disease with a single genetic etiology.;Novel missense change at an amino acid residue where a different missense change determined to be pathogenic has been seen before.

OMIM
Classification: Pathogenic for CROUZON SYNDROME. Last evaluated: 1994-09-01. Review status: no assertion criteria provided. Collection method: literature only. Allele origin: germline. Not counted in ClinVar's aggregate classification.

Literature cited by the submitters: PubMed 7655462 (cited by Labcorp Genetics (formerly Invitae), Labcorp); PubMed 7989400 (cited by Labcorp Genetics (formerly Invitae), Labcorp); PubMed 8528214 (cited by Labcorp Genetics (formerly Invitae), Labcorp); PubMed 11173845 (cited by Labcorp Genetics (formerly Invitae), Labcorp); PubMed 11781872 (cited by Labcorp Genetics (formerly Invitae), Labcorp and Ambry Genetics); PubMed 17693524 (cited by Labcorp Genetics (formerly Invitae), Labcorp); PubMed 24127277 (cited by Labcorp Genetics (formerly Invitae), Labcorp and Ambry Genetics); PubMed 25271085 (cited by Labcorp Genetics (formerly Invitae), Labcorp); PubMed 27028366 (cited by Labcorp Genetics (formerly Invitae), Labcorp); PubMed 8755573 (cited by Labcorp Genetics (formerly Invitae), Labcorp); PubMed 12884424 (cited by Labcorp Genetics (formerly Invitae), Labcorp); PubMed 16418739 (cited by Labcorp Genetics (formerly Invitae), Labcorp); PubMed 22387015 (cited by Ambry Genetics); PubMed 11343323 (cited by Ambry Genetics); PubMed 1519658 (cited by Ambry Genetics); PubMed 9585583 (cited by Ambry Genetics); PubMed 16501574 (cited by Ambry Genetics); PubMed 16061565 (cited by Ambry Genetics); PubMed 15793702 (cited by Ambry Genetics); PubMed 4078868 (cited by Ambry Genetics); PubMed 10633130 (cited by Ambry Genetics); PubMed 19610084 (cited by Ambry Genetics); PubMed 16740155 (cited by Ambry Genetics); PubMed 8434615 (cited by Ambry Genetics); PubMed 18726952 (cited by Ambry Genetics); PubMed 10067911 (cited by Ambry Genetics); PubMed 10712195 (cited by Ambry Genetics); PubMed 7987400 (cited by Ambry Genetics and OMIM); PubMed 25245177 (cited by Ambry Genetics); PubMed 25343114 (cited by Ambry Genetics); PubMed 25209230 (cited by Ambry Genetics); PubMed 7573032 (cited by Ambry Genetics); PubMed 10735635 (cited by Ambry Genetics); PubMed 26362256 (cited by Ambry Genetics); PubMed 15883293 (cited by Ambry Genetics); PubMed 28901406 (cited by Ambry Genetics).

NM_000141.5(FGFR2):c.1061C>G (p.Ser354Cys)

Gene: FGFR2 (fibroblast growth factor receptor 2; minus strand). Cytogenetic location: 10q26.13.
Variant type: single nucleotide variant.
Coding change: c.1061C>G on transcript NM_000141.5 (MANE Select); coding-DNA position 1061, C replaced by G.
Protein change: p.Ser354Cys; replaces serine 354 with cysteine.
Molecular consequence: missense variant. On other transcripts: non-coding transcript variant (1), intron variant (5).
Genome position (GRCh38, 1-based): chr10:121,517,342, G>C on the plus strand (C>G on the coding strand, the complement: FGFR2 is on the minus strand). VCF-style: chr10-121517342-G-C. GRCh37 (hg19) VCF-style: chr10-123276856-G-C.
Other names: c.794C>G, p.Ser265Cys (NM_001144915.2, NM_023029.3); c.716C>G, p.Ser239Cys (NM_001144916.2, NM_001144918.2); c.377C>G, p.Ser126Cys (NM_001320654.2); c.1061C>G, p.Ser354Cys (NM_001320658.2); c.749-2023C>G (NM_001144914.1); c.939+2637C>G (NM_001144917.2); c.1087+1340C>G (NM_022970.4, NM_001144913.1); c.820+1340C>G (NM_001144919.2); short protein forms S354C, S126C, S239C, S265C.
Identifiers: ClinVar variation 13265 (VCV000013265.23), dbSNP rs121918490, ClinGen allele CA280170.